The following is an entry in ClinVar:

ClinVar aggregate classification (germline): Likely benign. Review status: criteria provided, single submitter (1 of 4 stars). 2 submissions from 2 submitters: Likely benign (1). 1 of the submissions does not count toward it. Last evaluated 2026-05-06.

Conditions:
Polycystic kidney disease. Also called: Polycystic kidney dysplasia; Kidney, Polycystic. Identifiers: MedGen C0022680, MeSH D007690, MONDO:0020642, HP:0000113.
Polycystic kidney disease, adult type (PKD1). Also called: POLYCYSTIC KIDNEY DISEASE, ADULT, TYPE I; Polycystic Kidney Disease 1, Autosomal Dominant; Polycystic kidney disease 1; Polycystic kidney disease 1, severe; Polycystic Kidney, Autosomal Dominant; POLYCYSTIC KIDNEY DISEASE 1 WITH OR WITHOUT POLYCYSTIC LIVER DISEASE. Identifiers: MedGen C3149841, MONDO:0008263, OMIM 173900.

Allele frequency attached by ClinVar (database versions not stated): TOPMed 0.00002; gnomAD exomes 0.00003 and 0.00006; ExAC 0.00008.
gnomAD v4.1: 47 of 1,610,874 alleles (0.0029%); highest among the groups gnomAD compares: South Asian, 0.038%; no homozygotes.

Submissions (2):

Centre for Medical Genetics,  Mumbai
Classification: Likely benign for Polycystic kidney disease, adult type. Last evaluated: 2026-05-06. Review status: criteria provided, single submitter. Criteria: ACMG Guidelines, 2015. Collection method: provider interpretation. Allele origin: germline. Inheritance: Autosomal dominant inheritance. Affected: no. Observed: 1 variant allele, 1 heterozygote.
Comment: The variant satisfies PM2 criteria - extremely low frequency in gnomAD population databases. The variant satisfies BP4 criteria - for a missense or a splice region variant, computational prediction tools unanimously support a benign effect on the gene. However, the variant satisfies BS2 criteria - present in heterozygous state in an individual that clinically does not have polycystic kidney disease.

Department of Pathology and Laboratory Medicine, Sinai Health System
Classification: Uncertain significance for Polycystic Kidney disease. Review status: no assertion criteria provided. Collection method: clinical testing. Allele origin: unknown. Affected: yes. Study: The Canadian Open Genetics Repository (COGR). Not counted in ClinVar's aggregate classification.
Comment: The PKD1 p.Ala2988Val variant was not identified in the literature nor was it identified in the ClinVar, LOVD 3.0, or PKD1-LOVD databases. The variant was identified in dbSNP (ID: rs765076655) as â€šÃ„ÃºNAâ€šÃ„Ã¹, and the ADPKD Mutation Database (classified as indeterminate). The variant was identified in control databases in 15 of 244094 chromosomes at a frequency of 0.00006 (Genome Aggregation Database Feb 27, 2017), observed in the following populations: Other in 1 of 5454 chromosomes (freq: 0.0002), East Asian in 3 of 17224 chromosomes (freq: 0.0002), and South Asian in 11 of 30774 chromosomes (freq: 0.0004) while not observed in the African, Latino, European Non-Finnish, Ashkenazi Jewish and Finnish populations. In addition we cannot be certain that data from control databases is specific to PKD1 and not from one of the six PKD1 pseudogenes. The p.Ala2988 residue is not conserved in mammals and computational analyses (PolyPhen-2, SIFT, AlignGVGD, BLOSUM, MutationTaster) do not suggest a high likelihood the variant Val impacts the protein; however, this information is not predictive enough to rule out pathogenicity. In summary, based on the above information the clinical significance of this variant cannot be determined with certainty at this time. This variant is classified as a variant of uncertain significance.

Literature cited by the submitters: PubMed 8004675 (cited by Centre for Medical Genetics,  Mumbai).

NM_001009944.3(PKD1):c.8963C>T (p.Ala2988Val)

Gene: PKD1 (polycystin 1, transient receptor potential channel interacting; minus strand). Cytogenetic location: 16p13.3.
Variant type: single nucleotide variant.
Coding change: c.8963C>T on transcript NM_001009944.3 (MANE Select); coding-DNA position 8963, C replaced by T.
Protein change: p.Ala2988Val; replaces alanine 2988 with valine.
Molecular consequence: missense variant.
Genome position (GRCh38, 1-based): chr16:2,102,619, G>A on the plus strand (C>T on the coding strand, the complement: PKD1 is on the minus strand). VCF-style: chr16-2102619-G-A. GRCh37 (hg19) VCF-style: chr16-2152620-G-A.
Other names: c.8963C>T, p.Ala2988Val (NM_000296.4); short protein forms A2988V.
Identifiers: ClinVar variation 997100 (VCV000997100.2), dbSNP rs765076655, ClinGen allele CA7830237.